The following is an entry in ClinVar:

NC_012920.1(MT-CO1):m.6747T>C

Gene: MT-CO1 (mitochondrially encoded cytochrome c oxidase I; plus strand).
Variant type: single nucleotide variant.
Genome position: chrM-6747-T-C.
Identifiers: ClinVar variation 692670 (VCV000692670.1), dbSNP rs1603220609, ClinGen allele CA414786065.

ClinVar aggregate classification (germline): Uncertain significance (1 of 4 stars; one submission).

Conditions:
Leigh syndrome (NULS). Also called: Leigh's necrotizing encephalopathy; Leigh's disease; Leigh Syndrome (mtDNA deletion); Leigh Disease; Subacute necrotizing encephalopathy; Necrotizing encephalopathy infantile subacute of Leigh. Identifiers: Orphanet 506, MedGen C2931891, MONDO:0009723, OMIM 256000.

Submission:

Wong Mito Lab, Molecular and Human Genetics, Baylor College of Medicine
Classification: Uncertain significance for Leigh syndrome. Last evaluated: 2019-10-17. Review status: criteria provided, single submitter. Criteria: Modified ACMG Guidelines (Unpublished). Collection method: clinical testing. Allele origin: germline.
Comment: The NC_012920.1:m.6747T>C (YP_003024028.1:p.Phe282Leu) variant in MTCO1 gene is interpretated to be a Uncertain Significance variant based on the modified ACMG guidelines (unpublished). This variant meets the following evidence codes: PP7, BP5